The following is an entry in ClinVar:

ClinVar aggregate classification (germline): Uncertain significance (1 of 4 stars; one submission).

Allele frequency attached by ClinVar (database versions not stated): TOPMed below 0.00001; ExAC 0.00001; gnomAD exomes 0.00001.
gnomAD v4.1: 11 of 1,598,072 alleles (0.00069%); highest among the groups gnomAD compares: South Asian, 0.0011%; no homozygotes.

Submission:

Labcorp Genetics (formerly Invitae), Labcorp
Classification: Uncertain significance. Last evaluated: 2024-10-24. Review status: criteria provided, single submitter. Criteria: Invitae Variant Classification Sherloc (09022015). Collection method: clinical testing. Allele origin: germline.
Comment: This sequence change replaces serine, which is neutral and polar, with tyrosine, which is neutral and polar, at codon 783 of the SZT2 protein (p.Ser783Tyr). This variant is present in population databases (rs779818241, gnomAD 0.002%). This variant has not been reported in the literature in individuals affected with SZT2-related conditions. ClinVar contains an entry for this variant (Variation ID: 960000). Invitae Evidence Modeling of protein sequence and biophysical properties (such as structural, functional, and spatial information, amino acid conservation, physicochemical variation, residue mobility, and thermodynamic stability) has been performed for this missense variant. However, the output from this modeling did not meet the statistical confidence thresholds required to predict the impact of this variant on SZT2 protein function. In summary, the available evidence is currently insufficient to determine the role of this variant in disease. Therefore, it has been classified as a Variant of Uncertain Significance.

NM_001365999.1(SZT2):c.2348C>A (p.Ser783Tyr)

Gene: SZT2 (SZT2 subunit of KICSTOR complex; plus strand). Cytogenetic location: 1p34.2.
Variant type: single nucleotide variant.
Coding change: c.2348C>A on transcript NM_001365999.1 (MANE Select); coding-DNA position 2348, C replaced by A.
Protein change: p.Ser783Tyr; replaces serine 783 with tyrosine.
Molecular consequence: missense variant.
Genome position (GRCh38, 1-based): chr1:43,424,309, C>A. VCF-style: chr1-43424309-C-A. GRCh37 (hg19) VCF-style: chr1-43889980-C-A.
Other names: c.2348C>A, p.Ser783Tyr (NM_015284.4); short protein forms S783Y.
Identifiers: ClinVar variation 960000 (VCV000960000.10), dbSNP rs779818241, ClinGen allele CA808671.